The following is an entry in ClinVar:

ClinVar aggregate classification (germline): Likely benign. Review status: criteria provided, multiple submitters, no conflicts (2 of 4 stars). 2 submissions from 2 submitters: Likely benign (2). Last evaluated 2025-04-03.

Conditions:
GHR-related disorder. Also called: GHR-related condition.

Allele frequency attached by ClinVar (database versions not stated): ESP Exome Variant Server 0.00008; 1000 Genomes Project 30x 0.00031; 1000 Genomes Project 0.00040.
gnomAD v4.1: 95 of 1,606,324 alleles (0.0059%); highest among the groups gnomAD compares: African/African-American, 0.054%; no homozygotes.

Submissions (2):

Labcorp Genetics (formerly Invitae), Labcorp
Classification: Likely benign. Last evaluated: 2025-04-03. Review status: criteria provided, single submitter. Criteria: Invitae Variant Classification Sherloc (09022015). Collection method: clinical testing. Allele origin: germline.

PreventionGenetics, part of Exact Sciences
Classification: Likely benign for GHR-related condition. Last evaluated: 2025-03-06. Review status: criteria provided, single submitter. Criteria: ACMG Guidelines, 2015. Collection method: clinical testing. Allele origin: germline.
Comment: This variant is classified as likely benign based on ACMG/AMP sequence variant interpretation guidelines (Richards et al. 2015 PMID: 25741868, with internal and published modifications).

NM_000163.5(GHR):c.1509G>A (p.Pro503=)

Gene: GHR (growth hormone receptor; plus strand). Cytogenetic location: 5p12.
Variant type: single nucleotide variant.
Coding change: c.1509G>A on transcript NM_000163.5 (MANE Select); coding-DNA position 1509, G replaced by A.
Protein change: p.Pro503=; no amino-acid change (proline 503 retained).
Molecular consequence: synonymous variant. On other transcripts: 3 prime UTR variant (1).
Genome position (GRCh38, 1-based): chr5:42,719,016, G>A. VCF-style: chr5-42719016-G-A. GRCh37 (hg19) VCF-style: chr5-42719118-G-A.
Other names: c.1530G>A, p.Pro510= (NM_001242399.2); c.1509G>A, p.Pro503= (NM_001242400.2, NM_001242401.4, NM_001242402.2 and 4 more transcripts); c.1443G>A, p.Pro481= (NM_001242460.2); c.*551G>A (NM_001242462.1); c.1509G>A (NM_000163.4).
Identifiers: ClinVar variation 1366397 (VCV001366397.7), dbSNP rs377699543, ClinGen allele CA3254658.